The following is an entry in ClinVar:

ClinVar aggregate classification (germline): Uncertain significance (1 of 4 stars; one submission).

Submission:

GeneDx
Classification: Uncertain significance. Last evaluated: 2026-03-31. Review status: criteria provided, single submitter. Criteria: GeneDx Variant Classification Process June 2021. Collection method: clinical testing. Allele origin: germline.
Comment: Not observed at significant frequency in large population cohorts (gnomAD); Located in a region that tolerates variation and lacks pathogenic variants; Located in a regulatory region; in the absence of functional studies, the actual effect of this sequence change is unknown; Has not been previously published as pathogenic or benign to our knowledge

NM_138459.5(NUS1):c.-4G>C

Gene: NUS1 (NUS1 dehydrodolichyl diphosphate synthase subunit; plus strand). Cytogenetic location: 6q22.1.
Variant type: single nucleotide variant.
Coding change: c.-4G>C on transcript NM_138459.5 (MANE Select); 4 bases upstream of the start codon, G replaced by C.
Molecular consequence: 5 prime UTR variant.
Genome position (GRCh38, 1-based): chr6:117,675,667, G>C. VCF-style: chr6-117675667-G-C. GRCh37 (hg19) VCF-style: chr6-117996830-G-C.
Identifiers: ClinVar variation 5016881 (VCV005016881.1).
Genomic context (GRCh38, chr6:117,675,667, plus strand): 5'-TAAAAAGCCGTCGCGCTGCGGGAGTGGGCGGGAGGGAGAGGGGGTGTCTGAGGGCCACAA[G>C]AGTATGACGGGGCTGTACGAGCTGGTGTGGCGGGTGCTGCACGCGCTGCTCTGTCTGCAC-3'